The following is an entry in ClinVar:

ClinVar aggregate classification (germline): Likely benign. Review status: criteria provided, multiple submitters, no conflicts (2 of 4 stars). 4 submissions from 4 submitters: Likely benign (3). 1 of the submissions does not count toward it. Last evaluated 2024-09-17.

Conditions:
OSBPL2-related disorder. Also called: OSBPL2-related condition.

Allele frequency attached by ClinVar (database versions not stated): gnomAD 0.00003; gnomAD exomes 0.00004 and 0.00006; ExAC 0.00005; TOPMed 0.00011.
gnomAD v4.1: 101 of 1,609,020 alleles (0.0063%); highest among the groups gnomAD compares: Middle Eastern, 0.89%; 1 homozygote.

Submissions (4):

Blueprint Genetics
Classification: Likely benign. Last evaluated: 2024-09-17. Review status: criteria provided, single submitter. Criteria: ACMG Guidelines, 2015. Collection method: clinical testing. Allele origin: germline.

GeneDx
Classification: Likely benign. Last evaluated: 2018-11-28. Review status: criteria provided, single submitter. Criteria: GeneDx Variant Classification Process June 2021. Collection method: clinical testing. Allele origin: germline. Affected: yes.

Breakthrough Genomics
Classification: Likely benign. Review status: criteria provided, single submitter. Criteria: ACMG Guidelines, 2015. Collection method: not provided. Allele origin: germline. Inheritance: Autosomal dominant inheritance. Affected: yes.

PreventionGenetics, part of Exact Sciences
Classification: Likely benign for OSBPL2-related condition. Last evaluated: 2019-11-07. Review status: no assertion criteria provided. Collection method: clinical testing. Allele origin: germline. Not counted in ClinVar's aggregate classification.
Comment: This variant is classified as likely benign based on ACMG/AMP sequence variant interpretation guidelines (Richards et al. 2015 PMID: 25741868, with internal and published modifications).

NM_144498.4(OSBPL2):c.258+9G>A

Gene: OSBPL2 (oxysterol binding protein like 2; plus strand). Cytogenetic location: 20q13.33.
Variant type: single nucleotide variant.
Coding change: c.258+9G>A on transcript NM_144498.4 (MANE Select); 9 bases into the intron after coding-DNA position 258, G replaced by A.
Molecular consequence: intron variant.
Genome position (GRCh38, 1-based): chr20:62,263,700, G>A. VCF-style: chr20-62263700-G-A. GRCh37 (hg19) VCF-style: chr20-60838756-G-A.
Other names: c.258+9G>A (NM_144498.2); c.-109+9G>A (NM_001363878.2, NM_001278649.3); c.222+9G>A (NM_014835.5).
Identifiers: ClinVar variation 1190938 (VCV001190938.6), dbSNP rs531591282, ClinGen allele CA9938386.